The following is an entry in ClinVar:

ClinVar aggregate classification (germline): Benign. Review status: criteria provided, multiple submitters, no conflicts (2 of 4 stars). 4 submissions from 4 submitters: Benign (4). Last evaluated 2026-02-01.

Conditions:
Nemaline myopathy 8 (NEM8). Also called: Nemaline myopathy 8, autosomal recessive. Identifiers: Orphanet 171430, MedGen C3809209, MONDO:0014138, OMIM 615348.

Allele frequency attached by ClinVar (database versions not stated): TOPMed 0.01214; 1000 Genomes Project 0.01358; 1000 Genomes Project 30x 0.01437; gnomAD 0.01087; ESP Exome Variant Server 0.01153.
gnomAD v4.1: 3,113 of 1,613,946 alleles (0.19%); highest among the groups gnomAD compares: African/African-American, 3.7%; 58 homozygotes.

Submissions (4):

Labcorp Genetics (formerly Invitae), Labcorp
Classification: Benign for Nemaline myopathy 8. Last evaluated: 2026-02-01. Review status: criteria provided, single submitter. Criteria: Invitae Variant Classification Sherloc (09022015). Collection method: clinical testing. Allele origin: germline.

Mayo Clinic Laboratories, Mayo Clinic
Classification: Benign. Last evaluated: 2020-04-10. Review status: criteria provided, single submitter. Criteria: ACMG Guidelines, 2015. Collection method: clinical testing. Allele origin: germline. Observed: 2 variant alleles.

GeneDx
Classification: Benign. Last evaluated: 2016-08-04. Review status: criteria provided, single submitter. Criteria: GeneDx Variant Classification (06012015). Collection method: clinical testing. Allele origin: germline. Affected: yes.
Comment: This variant is considered likely benign or benign based on one or more of the following criteria: it is a conservative change, it occurs at a poorly conserved position in the protein, it is predicted to be benign by multiple in silico algorithms, and/or has population frequency not consistent with disease.

Breakthrough Genomics
Classification: Benign. Review status: criteria provided, single submitter. Criteria: ACMG Guidelines, 2015. Collection method: not provided. Allele origin: germline. Inheritance: Autosomal recessive inheritance. Affected: yes.

NM_152393.4(KLHL40):c.1251C>G (p.Val417=)

Gene: KLHL40 (kelch like family member 40; plus strand). Cytogenetic location: 3p22.1.
Variant type: single nucleotide variant.
Coding change: c.1251C>G on transcript NM_152393.4 (MANE Select); coding-DNA position 1251, C replaced by G.
Protein change: p.Val417=; no amino-acid change (valine 417 retained).
Molecular consequence: synonymous variant.
Genome position (GRCh38, 1-based): chr3:42,688,240, C>G. VCF-style: chr3-42688240-C-G. GRCh37 (hg19) VCF-style: chr3-42729732-C-G.
Other names: p.Val417=.
Identifiers: ClinVar variation 380835 (VCV000380835.13), dbSNP rs9872183, ClinGen allele CA2336869.